The following is an entry in ClinVar:

ClinVar aggregate classification (germline): Benign/Likely benign. Review status: criteria provided, multiple submitters, no conflicts (2 of 4 stars). 7 submissions from 7 submitters: Benign (4); Likely benign (3). Last evaluated 2026-06-23.

Conditions:
Hereditary cancer-predisposing syndrome. Also called: Neoplastic Syndromes, Hereditary; Hereditary Cancer Syndrome; Hereditary neoplastic syndrome; Tumor predisposition. Identifiers: Orphanet 140162, MedGen C0027672, MeSH D009386, MONDO:0015356.
Retinoblastoma (RB1). Also called: RETINOBLASTOMA, SOMATIC. Identifiers: Orphanet 790, MedGen C0035335, MeSH D012175, MONDO:0008380, OMIM 180200, HP:0009919. Disease mechanism: loss of function. Inheritance: Both sporadic and heritable forms are tested..

Allele frequency attached by ClinVar (database versions not stated): gnomAD 0.00001 and 0.00015; TOPMed 0.00003; gnomAD exomes 0.00016 and 0.00021; ExAC 0.00033; 1000 Genomes Project 30x 0.00156; 1000 Genomes Project 0.00180.
gnomAD v4.1: 252 of 1,600,044 alleles (0.016%); highest among the groups gnomAD compares: South Asian, 0.27%; 3 homozygotes.

Submissions (7):

Myriad Genetics, Inc.
Classification: Benign for Retinoblastoma. Last evaluated: 2026-06-23. Review status: criteria provided, single submitter. Criteria: Myriad Autosomal Dominant, Autosomal Recessive and X-Linked Classification Criteria (2023). Collection method: clinical testing. Allele origin: unknown.
Comment: This variant is considered benign. This variant is a silent/synonymous amino acid change and it is not expected to impact splicing.

Labcorp Genetics (formerly Invitae), Labcorp
Classification: Benign for Retinoblastoma. Last evaluated: 2025-12-27. Review status: criteria provided, single submitter. Criteria: Invitae Variant Classification Sherloc (09022015). Collection method: clinical testing. Allele origin: germline.

All of Us Research Program, National Institutes of Health
Classification: Benign for Retinoblastoma. Last evaluated: 2023-12-01. Review status: criteria provided, single submitter. Criteria: ACMG Guidelines, 2015. Collection method: clinical testing. Allele origin: germline. Inheritance: Autosomal dominant inheritance. Observed: 9 variant alleles, 9 heterozygotes.
Comment: This study involves interpretation of variants in research participants for the purpose of population health screening. Participant phenotype was not available at the time of variant classification. Additional details can be found in publication PMID: 35346344, PMCID: PMC8962531

Blueprint Genetics
Classification: Likely benign. Last evaluated: 2022-11-23. Review status: criteria provided, single submitter. Criteria: ACMG Guidelines, 2015. Collection method: clinical testing. Allele origin: germline.

Color Diagnostics, LLC DBA Color Health
Classification: Benign for Retinoblastoma. Last evaluated: 2022-04-26. Review status: criteria provided, single submitter. Criteria: ACMG Guidelines, 2015. Collection method: clinical testing. Allele origin: germline.

Sema4
Classification: Likely benign for Hereditary cancer-predisposing syndrome. Last evaluated: 2022-01-23. Review status: criteria provided, single submitter. Criteria: Sema4 Curation Guidelines. Collection method: curation. Allele origin: germline.

Ambry Genetics
Classification: Likely benign for Hereditary cancer-predisposing syndrome. Last evaluated: 2019-07-26. Review status: criteria provided, single submitter. Criteria: Ambry Variant Classification Scheme 2023. Collection method: clinical testing. Allele origin: germline.

NM_000321.3(RB1):c.571C>T (p.Leu191=)

Gene: RB1 (RB transcriptional corepressor 1; plus strand). Cytogenetic location: 13q14.2.
Variant type: single nucleotide variant.
Coding change: c.571C>T on transcript NM_000321.3 (MANE Select); coding-DNA position 571, C replaced by T.
Protein change: p.Leu191=; no amino-acid change (leucine 191 retained).
Molecular consequence: synonymous variant.
Genome position (GRCh38, 1-based): chr13:48,348,987, C>T. VCF-style: chr13-48348987-C-T. GRCh37 (hg19) VCF-style: chr13-48923123-C-T.
Identifiers: ClinVar variation 458173 (VCV000458173.19), dbSNP rs538578527, ClinGen allele CA038852.